The following is an entry in ClinVar:

ClinVar aggregate classification (germline): Likely benign (1 of 4 stars; one submission).

Allele frequency attached by ClinVar (database versions not stated): TOPMed 0.00008; gnomAD 0.00010; ExAC 0.00031.
gnomAD v4.1: 260 of 1,613,852 alleles (0.016%); highest among the groups gnomAD compares: South Asian, 0.15%; 2 homozygotes.

Submission:

CeGaT Center for Human Genetics Tuebingen
Classification: Likely benign. Last evaluated: 2023-02-01. Review status: criteria provided, single submitter. Criteria: CeGaT Center For Human Genetics Tuebingen Variant Classification Criteria Version 2. Collection method: clinical testing. Allele origin: germline. Affected: yes. Observed: 1 variant allele.
Comment: MGA: BP4, BP7

NM_001400225.1(MGA):c.1557C>T (p.Ala519=)

Gene: MGA (MAX dimerization protein MGA; plus strand). Cytogenetic location: 15q15.1.
Variant type: single nucleotide variant.
Coding change: c.1557C>T on transcript NM_001400225.1 (MANE Select); coding-DNA position 1557, C replaced by T.
Protein change: p.Ala519=; no amino-acid change (alanine 519 retained).
Molecular consequence: synonymous variant.
Genome position (GRCh38, 1-based): chr15:41,696,567, C>T. VCF-style: chr15-41696567-C-T. GRCh37 (hg19) VCF-style: chr15-41988765-C-T.
Other names: c.1557C>T, p.Ala519= (NM_001080541.3, NM_001164273.2, NM_001400242.1).
Identifiers: ClinVar variation 2645192 (VCV002645192.24), dbSNP rs773681086, ClinGen allele CA7495822.